The following is an entry in ClinVar:

ClinVar aggregate classification (germline): Likely benign (1 of 4 stars; one submission).

Allele frequency attached by ClinVar (database versions not stated): gnomAD 0.00003; TOPMed 0.00006 and 0.00005; gnomAD exomes 0.00002.
gnomAD v4.1: 7 of 1,435,160 alleles (0.00049%); highest among the groups gnomAD compares: African/African-American, 0.0072%; no homozygotes.

Submission:

GeneDx
Classification: Likely benign. Last evaluated: 2016-08-04. Review status: criteria provided, single submitter. Criteria: GeneDx Variant Classification (06012015). Collection method: clinical testing. Allele origin: germline. Affected: yes.
Comment: This variant is considered likely benign or benign based on one or more of the following criteria: it is a conservative change, it occurs at a poorly conserved position in the protein, it is predicted to be benign by multiple in silico algorithms, and/or has population frequency not consistent with disease.

NM_001330078.2(NRXN1):c.-7C>A

Gene: NRXN1 (neurexin 1; minus strand). Cytogenetic location: 2p16.3.
Variant type: single nucleotide variant.
Coding change: c.-7C>A on transcript NM_001330078.2 (MANE Select); 7 bases upstream of the start codon, C replaced by A.
Molecular consequence: 5 prime UTR variant.
Genome position (GRCh38, 1-based): chr2:51,028,280, G>T on the plus strand (C>A on the coding strand, the complement: NRXN1 is on the minus strand). VCF-style: chr2-51028280-G-T. GRCh37 (hg19) VCF-style: chr2-51255418-G-T.
Other names: c.-7C>A (NM_001135659.3, NM_001330077.2, NM_001330079.2 and 15 more transcripts).
Identifiers: ClinVar variation 388029 (VCV000388029.1), dbSNP rs202002348, ClinGen allele CA16604338.
Genomic context (GRCh38, chr2:51,028,280, plus strand): 5'-CAGCGAGAGGCACAGAAGAAAACAGCCCCCGCGCTGGAGCAGCGCCGTCCCCATGCTCGG[G>T]GCTGGGGTGCGGCGGGGGGGTGCCGGGGCCGACAGGGTCAAAATGGTCCTGGACACCGTG-3'